The following is an entry in ClinVar:

NM_018344.6(SLC29A3):c.534C>G (p.Ala178=)

Gene: SLC29A3 (solute carrier family 29 member 3; plus strand). Cytogenetic location: 10q22.1.
Variant type: single nucleotide variant.
Coding change: c.534C>G on transcript NM_018344.6 (MANE Select); coding-DNA position 534, C replaced by G.
Protein change: p.Ala178=; no amino-acid change (alanine 178 retained).
Molecular consequence: synonymous variant. On other transcripts: non-coding transcript variant (1).
Genome position (GRCh38, 1-based): chr10:71,351,712, C>G. VCF-style: chr10-71351712-C-G. GRCh37 (hg19) VCF-style: chr10-73111469-C-G.
Other names: c.534C>G, p.Ala178= (NM_001174098.2); c.300C>G, p.Ala100= (NM_001363518.2); c.534C>G (NM_018344.5).
Identifiers: ClinVar variation 3239367 (VCV003239367.21), dbSNP rs1488367046.

ClinVar aggregate classification (germline): Likely benign. Review status: criteria provided, multiple submitters, no conflicts (2 of 4 stars). 3 submissions from 3 submitters: Likely benign (3). Last evaluated 2026-05-27.

Conditions:
SLC29A3-related disorder. Also called: SLC29A3-related condition.
H syndrome. Also called: HISTIOCYTOSIS AND LYMPHADENOPATHY WITH OR WITHOUT CUTANEOUS, CARDIAC, AND/OR ENDOCRINE FEATURES, JOINT CONTRACTURES, AND/OR DEAFNESS; HYPERPIGMENTATION, CUTANEOUS, WITH HYPERTRICHOSIS, HEPATOSPLENOMEGALY, HEART ANOMALIES, AND HYPOGONADISM WITH OR WITHOUT HEARING LOSS; PIGMENTED HYPERTRICHOSIS WITH INSULIN-DEPENDENT DIABETES MELLITUS; ROSAI-DORFMAN DISEASE, FAMILIAL; SINUS HISTIOCYTOSIS AND MASSIVE LYMPHADENOPATHY; Hyperpigmentation, Cutaneous, with Hypertrichosis, Hepatosplenomegaly, Heart Anomalies, Hearing Loss, and Hypogonadism. Identifiers: Orphanet 168569, MedGen C1864445, MONDO:0011273, OMIM 602782.

Allele frequency attached by ClinVar (database versions not stated): gnomAD 0.00003.
gnomAD v4.1: 12 of 1,614,056 alleles (0.00074%); highest among the groups gnomAD compares: South Asian, 0.0044%; no homozygotes.

Submissions (3):

PreventionGenetics, part of Exact Sciences
Classification: Likely benign for SLC29A3-related condition. Last evaluated: 2026-05-27. Review status: criteria provided, single submitter. Criteria: ACMG Guidelines, 2015. Collection method: clinical testing. Allele origin: germline.
Comment: This variant is classified as likely benign based on ACMG/AMP sequence variant interpretation guidelines (Richards et al. 2015 PMID: 25741868, with internal and published modifications).

Labcorp Genetics (formerly Invitae), Labcorp
Classification: Likely benign for H syndrome. Last evaluated: 2025-11-19. Review status: criteria provided, single submitter. Criteria: Invitae Variant Classification Sherloc (09022015). Collection method: clinical testing. Allele origin: germline.

CeGaT Center for Human Genetics Tuebingen
Classification: Likely benign. Last evaluated: 2024-05-01. Review status: criteria provided, single submitter. Criteria: CeGaT Center For Human Genetics Tuebingen Variant Classification Criteria Version 2. Collection method: clinical testing. Allele origin: germline. Affected: yes. Observed: 1 variant allele.
Comment: SLC29A3: BP4, BP7